The following is an entry in ClinVar:

ClinVar aggregate classification (germline): Uncertain significance. Review status: criteria provided, multiple submitters, no conflicts (2 of 4 stars). 2 submissions from 2 submitters: Uncertain significance (2). Last evaluated 2023-07-31.

Conditions:
Multiple congenital exostosis (EXT). Also called: Multiple exostoses; MULTIPLE CARTILAGINOUS EXOSTOSES; Hereditary multiple exostoses; Hereditary multiple exostosis; Hereditary multiple osteochondromas; Multiple osteochondromas. Identifiers: Orphanet 321, MedGen C0015306, MONDO:0005508, HP:0002762.
Exostoses, multiple, type 1 (EXT1). Also called: Hereditary Multiple Osteochondromatosis, Type I; EXOSTOSES, MULTIPLE, TYPE I. Identifiers: MedGen CN263289, MONDO:0007585, OMIM 133700.

Allele frequency attached by ClinVar (database versions not stated): TOPMed 0.00001.
gnomAD v4.1: 39 of 1,614,032 alleles (0.0024%); highest among the groups gnomAD compares: Non-Finnish European, 0.0031%; no homozygotes.

Submissions (2):

Labcorp Genetics (formerly Invitae), Labcorp
Classification: Uncertain significance for Multiple congenital exostosis. Last evaluated: 2023-07-31. Review status: criteria provided, single submitter. Criteria: Invitae Variant Classification Sherloc (09022015). Collection method: clinical testing. Allele origin: germline.
Comment: In summary, the available evidence is currently insufficient to determine the role of this variant in disease. Therefore, it has been classified as a Variant of Uncertain Significance. Advanced modeling of protein sequence and biophysical properties (such as structural, functional, and spatial information, amino acid conservation, physicochemical variation, residue mobility, and thermodynamic stability) performed at Invitae indicates that this missense variant is not expected to disrupt EXT1 protein function. ClinVar contains an entry for this variant (Variation ID: 2444876). This variant has not been reported in the literature in individuals affected with EXT1-related conditions. This variant is present in population databases (rs773320520, gnomAD 0.003%). This sequence change replaces glutamine, which is neutral and polar, with lysine, which is basic and polar, at codon 700 of the EXT1 protein (p.Gln700Lys).

St. Jude Molecular Pathology, St. Jude Children's Research Hospital
Classification: Uncertain significance for Exostoses, multiple, type 1. Last evaluated: 2023-02-21. Review status: criteria provided, single submitter. Criteria: St. Jude Assertion Criteria 2020. Collection method: clinical testing. Allele origin: germline.
Comment: The EXT1 c.2098C>A (p.Gln700Lys) missense change has a maximum subpopulation frequency of 0.0031% in gnomAD v2.1.1. The in silico tool REVEL is inconclusive about a pathogenic or benign effect of this variant on protein function, and to our knowledge functional studies have not been performed. To our knowledge, this variant has not been reported in individuals with hereditary multiple exostoses. In summary, the evidence currently available is insufficient to determine the clinical significance of this variant. It has therefore been classified as of uncertain significance.?

NM_000127.3(EXT1):c.2098C>A (p.Gln700Lys)

Gene: EXT1 (exostosin glycosyltransferase 1; minus strand). Cytogenetic location: 8q24.11.
Variant type: single nucleotide variant.
Coding change: c.2098C>A on transcript NM_000127.3 (MANE Select); coding-DNA position 2098, C replaced by A.
Protein change: p.Gln700Lys; replaces glutamine 700 with lysine.
Molecular consequence: missense variant.
Genome position (GRCh38, 1-based): chr8:117,799,855, G>T on the plus strand (C>A on the coding strand, the complement: EXT1 is on the minus strand). VCF-style: chr8-117799855-G-T. GRCh37 (hg19) VCF-style: chr8-118812094-G-T.
Other names: short protein forms Q700K.
Identifiers: ClinVar variation 2444876 (VCV002444876.4), dbSNP rs773320520, ClinGen allele CA184316453.